The following is an entry in ClinVar:

NM_000455.5(STK11):c.1109-16dup

Gene: STK11 (serine/threonine kinase 11; plus strand). Cytogenetic location: 19p13.3.
Variant type: Duplication.
Coding change: c.1109-16dup on transcript NM_000455.5 (MANE Select); 16 bases into the intron before coding-DNA position 1109, one base duplicated (G; older notation c.1109-16dupG).
Molecular consequence: intron variant.
Genome position (GRCh38, 1-based): chr19:1,226,438, G duplicated. VCF-style (leftmost placement, unchanged base first): chr19-1226437-T-TG. GRCh37 (hg19) VCF-style: chr19-1226436-T-TG.
Identifiers: ClinVar variation 2004101 (VCV002004101.5), dbSNP rs2512954540, ClinGen allele CA2580096021.
Genomic context (GRCh38, chr19:1,226,437, plus strand): 5'-GGTGGGGGCCAGCCAGGTCCCTGTGGCTCTGGGGTTGCGCCCCTCAGCTCAGGCCACACT[T>TG]GCCGTCTCCCTCCCAGGACAGGTCCCAGAAGAGGAGGCCAGTCACAATGGACAGCGCCGG-3'

ClinVar aggregate classification (germline): Likely benign. Review status: criteria provided, multiple submitters, no conflicts (2 of 4 stars). 2 submissions from 2 submitters: Likely benign (2). Last evaluated 2025-03-28.

Conditions:
Peutz-Jeghers syndrome (PJS). Also called: Peutz-Jeghers polyposis; Periorificial lentiginosis syndrome; POLYPOSIS, HAMARTOMATOUS INTESTINAL; POLYPS-AND-SPOTS SYNDROME. Identifiers: Orphanet 2869, MedGen C0031269, MeSH D010580, MONDO:0008280, OMIM 175200.

Submissions (2):

Myriad Genetics, Inc.
Classification: Likely benign for Peutz-Jeghers syndrome. Last evaluated: 2025-03-28. Review status: criteria provided, single submitter. Criteria: Myriad Autosomal Dominant, Autosomal Recessive and X-Linked Classification Criteria (2023). Collection method: clinical testing. Allele origin: unknown.
Comment: This variant is considered likely benign. This variant is intronic and is not expected to impact mRNA splicing.

Labcorp Genetics (formerly Invitae), Labcorp
Classification: Likely benign for Peutz-Jeghers syndrome. Last evaluated: 2022-10-17. Review status: criteria provided, single submitter. Criteria: Invitae Variant Classification Sherloc (09022015). Collection method: clinical testing. Allele origin: germline.